The following is an entry in ClinVar:

ClinVar aggregate classification (germline): Likely pathogenic. Review status: criteria provided, single submitter (1 of 4 stars). 3 submissions from 3 submitters: Likely pathogenic (1). 2 of the submissions do not count toward it. Last evaluated 2023-07-10.

Conditions:
Fanconi anemia complementation group J. Also called: BRIP1-Related Fanconi Anemia. Identifiers: Orphanet 84, MedGen C1836860, MONDO:0012187, OMIM 609054.
Familial cancer of breast. Also called: Hereditary breast cancer; BREAST CANCER, FAMILIAL; hereditary breast carcinoma. Identifiers: Orphanet 227535, MedGen C0346153, MONDO:0016419, OMIM 114480. Disease mechanism: loss of function.

Submissions (3):

Labcorp Genetics (formerly Invitae), Labcorp
Classification: Likely pathogenic for Familial cancer of breast; Fanconi anemia complementation group J. Last evaluated: 2023-07-10. Review status: criteria provided, single submitter. Criteria: Invitae Variant Classification Sherloc (09022015). Collection method: clinical testing. Allele origin: germline.
Comment: In summary, the currently available evidence indicates that the variant is pathogenic, but additional data are needed to prove that conclusively. Therefore, this variant has been classified as Likely Pathogenic. Algorithms developed to predict the effect of sequence changes on RNA splicing suggest that this variant may disrupt the consensus splice site. ClinVar contains an entry for this variant (Variation ID: 1174963). This variant has not been reported in the literature in individuals affected with BRIP1-related conditions. This variant is not present in population databases (gnomAD no frequency). This sequence change affects an acceptor splice site in intron 11 of the BRIP1 gene. It is expected to disrupt RNA splicing. Variants that disrupt the donor or acceptor splice site typically lead to a loss of protein function (PMID: 16199547), and loss-of-function variants in BRIP1 are known to be pathogenic (PMID: 16116423, 17033622, 21964575).

Diagnostic Laboratory, Department of Genetics, University Medical Center Groningen
Classification: Pathogenic. Review status: no assertion criteria provided. Collection method: clinical testing. Allele origin: germline. Affected: yes. Study: VKGL Data-share Consensus. Not counted in ClinVar's aggregate classification.

Joint Genome Diagnostic Labs from Nijmegen and Maastricht, Radboudumc and MUMC+
Classification: Pathogenic. Review status: no assertion criteria provided. Collection method: clinical testing. Allele origin: germline. Affected: yes. Study: VKGL Data-share Consensus. Not counted in ClinVar's aggregate classification.

Literature cited by the submitters: PubMed 16199547 (cited by Labcorp Genetics (formerly Invitae), Labcorp); PubMed 16116423 (cited by Labcorp Genetics (formerly Invitae), Labcorp); PubMed 17033622 (cited by Labcorp Genetics (formerly Invitae), Labcorp); PubMed 21964575 (cited by Labcorp Genetics (formerly Invitae), Labcorp).

NM_032043.3(BRIP1):c.1629-1G>A

Gene: BRIP1 (BRCA1 interacting DNA helicase 1; minus strand). Cytogenetic location: 17q23.2.
Variant type: single nucleotide variant.
Coding change: c.1629-1G>A on transcript NM_032043.3 (MANE Select); the canonical splice acceptor site of the intron before coding-DNA position 1629, G replaced by A.
Molecular consequence: splice acceptor variant.
Genome position (GRCh38, 1-based): chr17:61,781,006, C>T on the plus strand (G>A on the coding strand, the complement: BRIP1 is on the minus strand). VCF-style: chr17-61781006-C-T. GRCh37 (hg19) VCF-style: chr17-59858367-C-T.
Identifiers: ClinVar variation 1174963 (VCV001174963.8), dbSNP rs1060501757, ClinGen allele CA400480595.